The following is an entry in ClinVar:

NM_000222.3(KIT):c.21_22del (p.Trp8fs)

Gene: KIT (KIT proto-oncogene, receptor tyrosine kinase; plus strand). Cytogenetic location: 4q12.
Variant type: Deletion.
Coding change: c.21_22del on transcript NM_000222.3 (MANE Select); coding-DNA positions 21 to 22, 2 bases deleted (CT; older notation c.21_22delCT).
Protein change: p.Trp8fs; shifts the reading frame from tryptophan 8.
Molecular consequence: frameshift variant.
Genome position (GRCh38, 1-based): chr4:54,658,035-54,658,036, CT deleted. VCF-style (leftmost placement, unchanged base first): chr4-54658034-CCT-C. GRCh37 (hg19) VCF-style: chr4-55524201-CCT-C.
Other names: c.21_22del, p.Trp8fs (NM_001093772.2, NM_001385284.1, NM_001385285.1 and 4 more transcripts); short protein forms W8fs.
Identifiers: ClinVar variation 1331512 (VCV001331512.4), dbSNP rs2109520891, ClinGen allele CA2573052335.
Genomic context (GRCh38, chr4:54,658,034, plus strand): 5'-GGAACGTGGACCAGAGCTCGGATCCCATCGCAGCTACCGCGATGAGAGGCGCTCGCGGCG[CCT>C]GGGATTTTCTCTGCGTTCTGCTCCTACTGCTTCGCGTCCAGACAGGTGGGACACCGCGGC-3'

ClinVar aggregate classification (germline): Pathogenic (1 of 4 stars; one submission).

Submission:

Greenwood Genetic Center Diagnostic Laboratories, Greenwood Genetic Center
Classification: Pathogenic. Last evaluated: 2020-11-12. Review status: criteria provided, single submitter. Criteria: ACMG Guidelines, 2015. Collection method: clinical testing. Allele origin: germline. Affected: yes.
Comment: PVS1, PS2, PM2